The following is an entry in ClinVar:

ClinVar aggregate classification (germline): Conflicting classifications of pathogenicity. Review status: criteria provided, conflicting classifications (1 of 4 stars). 10 submissions from 10 submitters: Pathogenic (2); Likely pathogenic (5); Uncertain significance (3). Last evaluated 2026-04-13.

Conditions:
TTN-related disorder. Also called: TTN-related condition; TTN-related disease; TTN-related disorders.
Autosomal recessive titinopathy. Identifiers: MedGen CN315649, MONDO:0100493.
Autosomal recessive limb-girdle muscular dystrophy type 2J (LGMDR10). Also called: Limb-girdle muscular dystrophy, type 2J; MUSCULAR DYSTROPHY, LIMB-GIRDLE, AUTOSOMAL RECESSIVE 10. Identifiers: Orphanet 140922, MedGen C1837342, MONDO:0012127, OMIM 608807.
Dilated cardiomyopathy 1G (CMD1G). Identifiers: Orphanet 154, MedGen C1858763, MONDO:0011400, OMIM 604145.
Early-onset myopathy with fatal cardiomyopathy (CMYO5). Also called: Salih Myopathy; CONGENITAL MYOPATHY 5 WITH CARDIOMYOPATHY. Identifiers: Orphanet 289377, MedGen C2673677, MONDO:0012714, OMIM 611705. Disease mechanism: loss of function.
Myopathy, myofibrillar, 9, with early respiratory failure (MFM9). Also called: EDSTROM MYOPATHY; MYOPATHY, PROXIMAL, WITH EARLY RESPIRATORY MUSCLE INVOLVEMENT; Myopathy, distal, with early respiratory failure, autosomal dominant; Hereditary myopathy with early respiratory failure. Identifiers: Orphanet 178464, Orphanet 34521, MedGen C1863599, MONDO:0011362, OMIM 603689.
Tibial muscular dystrophy (TMD). Also called: Tibial muscular dystrophy, tardive; UDD MYOPATHY; Udd Distal Myopathy – Tibial Muscular Dystrophy. Identifiers: Orphanet 609, MedGen C1838244, MONDO:0010870, OMIM 600334.
Hypertrophic cardiomyopathy 9. Also called: Familial hypertrophic cardiomyopathy 9. Identifiers: MedGen C1861065, MONDO:0013412, OMIM 613765.
Myopathy. Identifiers: MedGen C0026848, MeSH D009135, MONDO:0005336, HP:0003198.

Allele frequency attached by ClinVar (database versions not stated): ExAC 0.00001; gnomAD exomes 0.00001 and 0.00003; gnomAD 0.00002; TOPMed 0.00002.
gnomAD v4.1: 22 of 1,613,720 alleles (0.0014%); highest among the groups gnomAD compares: Non-Finnish European, 0.00017%; no homozygotes.

Submissions (10):

PreventionGenetics, part of Exact Sciences
Classification: Likely pathogenic for TTN-related condition. Last evaluated: 2026-04-13. Review status: criteria provided, single submitter. Criteria: ACMG Guidelines, 2015. Collection method: clinical testing. Allele origin: germline.
Comment: The TTN c.29245C>T variant is predicted to result in premature protein termination (p.Gln9749*). To our knowledge, this variant has not been reported in the literature. This variant is reported in 0.070% of alleles in individuals of Ashkenazi Jewish descent in gnomAD. This variant is located in the I-band region of the TTN protein. RNAseq studies from heart tissue indicate this exon is not commonly included in TTN mRNA transcripts (PSI of 75%-89%, Roberts et al. 2015. PubMed ID: 25589632). TTN loss-of-function variants occurring in non-constitutively expressed exons (PSI < 90%) are less likely to be disease causing for TTN cardiac-related disorders (Roberts et al. 2015. PubMed ID: 25589632; Schafer et al. 2017. PubMed ID: 27869827; Akhtar et al. 2020. PubMed ID: 32964742). Many cases of recessive TTN-related myopathies in which the individual is compound heterozygous for two loss-of-function variants in TTN have also been reported (Oates et al. 2018. PubMed ID: 29691892; Ge et al. 2019. PubMed ID: 31053406; Rees et al. 2021. PubMed ID: 33449170). In summary, this variant is likely pathogenic for autosomal recessive TTN-related congenital titinopathies. However, it is uncertain if this variant would be causative for autosomal dominant TTN-related disorders.

Myofin, Folkhalsan Research Center
Classification: Pathogenic for Autosomal recessive titinopathy. Last evaluated: 2026-02-06. Review status: criteria provided, single submitter. Criteria: ACMG Guidelines, 2015. Collection method: research. Allele origin: germline. Affected: yes.
Comment: TTN loss-of-function is an established mechanism for autosomal recessive titinopathies. ACMG/AMP criteria applied: PVS1 (predicted loss of function), PM2_Supporting (absent/rare in population databases), and PP4_Supporting (highly consistent clinical phenotype). Overall classification: Pathogenic for recessive titinopathy.

Labcorp Genetics (formerly Invitae), Labcorp
Classification: Likely pathogenic for Dilated cardiomyopathy 1G; Autosomal recessive limb-girdle muscular dystrophy type 2J. Last evaluated: 2025-10-25. Review status: criteria provided, single submitter. Criteria: Invitae Variant Classification Sherloc (09022015). Collection method: clinical testing. Allele origin: germline.
Comment: This sequence change creates a premature translational stop signal (p.Gln9749*) in the TTN gene. While this is not anticipated to result in nonsense mediated decay, it is expected to create a truncated TTN protein. This variant is present in population databases (rs746721983, gnomAD 0.07%). This variant has not been reported in the literature in individuals affected with TTN-related conditions. ClinVar contains an entry for this variant (Variation ID: 202356). This variant is located in the I band of TTN (PMID: 25589632). Truncating variants in this region have been reported in individuals affected with autosomal recessive centronuclear myopathy (PMID: 23975875, internal data). Truncating variants in this region have also been identified in individuals affected with autosomal dominant dilated cardiomyopathy and/or cardio-related conditions (PMID: 27869827, 32964742, internal data). In summary, the currently available evidence indicates that the variant is pathogenic, but additional data are needed to prove that conclusively. Therefore, this variant has been classified as Likely Pathogenic.

GeneDx
Classification: Likely pathogenic. Last evaluated: 2025-10-01. Review status: criteria provided, single submitter. Criteria: GeneDx Variant Classification Process June 2021. Collection method: clinical testing. Allele origin: germline. Affected: yes.
Comment: Nonsense variant predicted to result in protein truncation or nonsense mediated decay in a region of a gene for which loss of function is not a well-established mechanism of disease; Not observed at significant frequency in large population cohorts (gnomAD); Has not been previously published as pathogenic or benign to our knowledge

Mayo Clinic Laboratories, Mayo Clinic
Classification: Uncertain significance. Last evaluated: 2025-06-11. Review status: criteria provided, single submitter. Criteria: ACMG Guidelines, 2015. Collection method: clinical testing. Allele origin: germline. Observed: 1 variant allele.

CeGaT Center for Human Genetics Tuebingen
Classification: Uncertain significance. Last evaluated: 2024-02-01. Review status: criteria provided, single submitter. Criteria: CeGaT Center For Human Genetics Tuebingen Variant Classification Criteria Version 2. Collection method: clinical testing. Allele origin: germline. Affected: yes. Observed: 1 variant allele.

Department of Pathology and Laboratory Medicine, Sinai Health System
Classification: Likely pathogenic for Tibial muscular dystrophy; Autosomal recessive limb-girdle muscular dystrophy type 2J; Dilated cardiomyopathy 1G; Early-onset myopathy with fatal cardiomyopathy; Myopathy, myofibrillar, 9, with early respiratory failure; Hypertrophic cardiomyopathy 9. Last evaluated: 2023-05-29. Review status: criteria provided, single submitter. Criteria: ACMG Guidelines, 2015. Collection method: research. Allele origin: germline.

Revvity Omics, Revvity
Classification: Uncertain significance. Last evaluated: 2019-08-01. Review status: criteria provided, single submitter. Criteria: ACMG Guidelines, 2015. Collection method: clinical testing. Allele origin: germline.

Athena Diagnostics
Classification: Likely pathogenic. Last evaluated: 2016-08-30. Review status: criteria provided, single submitter. Criteria: Athena Diagnostics Criteria. Collection method: clinical testing. Allele origin: germline.

Genetic Services Laboratory, University of Chicago
Classification: Pathogenic for Myopathy. Last evaluated: 2015-04-08. Review status: criteria provided, single submitter. Criteria: ACMG Guidelines, 2015. Collection method: clinical testing. Allele origin: germline. Affected: yes.

Literature cited by the submitters: DOI 10.1101/2025.07.17.25331120 (cited by Myofin, Folkhalsan Research Center); PubMed 25589632 (cited by Labcorp Genetics (formerly Invitae), Labcorp); PubMed 23975875 (cited by Labcorp Genetics (formerly Invitae), Labcorp); PubMed 27869827 (cited by Labcorp Genetics (formerly Invitae), Labcorp); PubMed 32964742 (cited by Labcorp Genetics (formerly Invitae), Labcorp).

NM_001267550.2(TTN):c.29245C>T (p.Gln9749Ter)

Gene: TTN (titin; minus strand). Cytogenetic location: 2q31.2.
Variant type: single nucleotide variant.
Coding change: c.29245C>T on transcript NM_001267550.2 (MANE Select); coding-DNA position 29245, C replaced by T.
Protein change: p.Gln9749Ter; replaces glutamine 9749 with a stop codon.
Molecular consequence: nonsense. On other transcripts: intron variant (3).
Genome position (GRCh38, 1-based): chr2:178,706,629, G>A on the plus strand (C>T on the coding strand, the complement: TTN is on the minus strand). VCF-style: chr2-178706629-G-A. GRCh37 (hg19) VCF-style: chr2-179571356-G-A.
Other names: p.Gln8505*; c.29245C>T (LRG_391t1); c.28294C>T, p.Gln9432Ter (NM_001256850.1); c.25513C>T, p.Gln8505Ter (NM_133378.4); c.13282+31453C>T (NM_003319.4); c.13858+31453C>T (NM_133437.4); c.13657+31453C>T (NM_133432.3); short protein forms Q9432*, Q9749*, Q8505*.
Identifiers: ClinVar variation 202356 (VCV000202356.47), dbSNP rs746721983, ClinGen allele CA211191.
Genomic context (GRCh38, chr2:178,706,629, plus strand): 5'-ATAACCCAGAATCAGTTTTTGTGGTGTCCCTAATCTCCAGTTTTGCTTCATCGCCTTTTT[G>A]GTGGATGAAAACACGACCTCCTTGGTTCAGCTGTCTCCACTTCCCTTTTGTCCATTTAAC-3'